The following is an entry in ClinVar:

ClinVar aggregate classification (germline): Uncertain significance (1 of 4 stars; one submission).

Conditions:
Renal cell carcinoma. Identifiers: Orphanet 217071, MedGen C0007134, MeSH D002292, MONDO:0005086, HP:0005584.

Submission:

Labcorp Genetics (formerly Invitae), Labcorp
Classification: Uncertain significance for Renal cell carcinoma. Last evaluated: 2021-07-27. Review status: criteria provided, single submitter. Criteria: Invitae Variant Classification Sherloc (09022015). Collection method: clinical testing. Allele origin: germline.
Comment: In summary, the available evidence is currently insufficient to determine the role of this variant in disease. Therefore, it has been classified as a Variant of Uncertain Significance. Algorithms developed to predict the effect of missense changes on protein structure and function (SIFT, PolyPhen-2, Align-GVGD) all suggest that this variant is likely to be tolerated. This variant has not been reported in the literature in individuals affected with MET-related conditions. This variant is not present in population databases (ExAC no frequency). This sequence change replaces methionine with isoleucine at codon 35 of the MET protein (p.Met35Ile). The methionine residue is moderately conserved and there is a small physicochemical difference between methionine and isoleucine.

NM_000245.4(MET):c.105G>A (p.Met35Ile)

Gene: MET (MET proto-oncogene, receptor tyrosine kinase; plus strand). Cytogenetic location: 7q31.2.
Variant type: single nucleotide variant.
Coding change: c.105G>A on transcript NM_000245.4 (MANE Select); coding-DNA position 105, G replaced by A.
Protein change: p.Met35Ile; replaces methionine 35 with isoleucine.
Molecular consequence: missense variant. On other transcripts: intron variant (1).
Genome position (GRCh38, 1-based): chr7:116,699,189, G>A. VCF-style: chr7-116699189-G-A. GRCh37 (hg19) VCF-style: chr7-116339243-G-A.
Other names: c.105G>A, p.Met35Ile (NM_001127500.3, NM_001324401.3); c.-91+26612G>A (NM_001324402.2); short protein forms M35I.
Identifiers: ClinVar variation 1370403 (VCV001370403.8), dbSNP rs376244358, ClinGen allele CA368968350.
Genomic context (GRCh38, chr7:116,699,189, plus strand): 5'-GTTTACCTTGGTGCAGAGGAGCAATGGGGAGTGTAAAGAGGCACTAGCAAAGTCCGAGAT[G>A]AATGTGAATATGAAGTATCAGCTTCCCAACTTCACCGCGGAAACACCCATCCAGAATGTC-3'
Protein context (NP_000236.2, residues 25-45): ECKEALAKSE[Met35Ile]NVNMKYQLPN